The following is an entry in ClinVar:

NM_001851.6(COL9A1):c.1002T>A (p.Pro334=)

Gene: COL9A1 (collagen type IX alpha 1 chain; minus strand). Cytogenetic location: 6q13.
Variant type: single nucleotide variant.
Coding change: c.1002T>A on transcript NM_001851.6 (MANE Select); coding-DNA position 1002, T replaced by A.
Protein change: p.Pro334=; no amino-acid change (proline 334 retained).
Molecular consequence: synonymous variant. On other transcripts: non-coding transcript variant (1).
Genome position (GRCh38, 1-based): chr6:70,274,746, A>T on the plus strand (T>A on the coding strand, the complement: COL9A1 is on the minus strand). VCF-style: chr6-70274746-A-T. GRCh37 (hg19) VCF-style: chr6-70984449-A-T.
Other names: c.273T>A, p.Pro91= (NM_001377289.1, NM_001377290.1, NM_078485.4).
Identifiers: ClinVar variation 390330 (VCV000390330.6), dbSNP rs1057523730, ClinGen allele CA16605566.

ClinVar aggregate classification (germline): Likely benign. Review status: criteria provided, multiple submitters, no conflicts (2 of 4 stars). 3 submissions from 3 submitters: Likely benign (3). Last evaluated 2026-02-16.

Conditions:
COL9A1-related disorder. Also called: COL9A1-related disorders; COL9A1-related condition.

Allele frequency attached by ClinVar (database versions not stated): gnomAD exomes below 0.00001 and 0.00001; TOPMed below 0.00001; gnomAD 0.00001.
gnomAD v4.1: 11 of 1,612,686 alleles (0.00068%); highest among the groups gnomAD compares: Non-Finnish European, 0.00093%; no homozygotes.

Submissions (3):

PreventionGenetics, part of Exact Sciences
Classification: Likely benign for COL9A1-related condition. Last evaluated: 2026-02-16. Review status: criteria provided, single submitter. Criteria: ACMG Guidelines, 2015. Collection method: clinical testing. Allele origin: germline.
Comment: This variant is classified as likely benign based on ACMG/AMP sequence variant interpretation guidelines (Richards et al. 2015 PMID: 25741868, with internal and published modifications).

Labcorp Genetics (formerly Invitae), Labcorp
Classification: Likely benign. Last evaluated: 2022-09-05. Review status: criteria provided, single submitter. Criteria: Invitae Variant Classification Sherloc (09022015). Collection method: clinical testing. Allele origin: germline.

GeneDx
Classification: Likely benign. Last evaluated: 2016-10-25. Review status: criteria provided, single submitter. Criteria: GeneDx Variant Classification (06012015). Collection method: clinical testing. Allele origin: germline. Affected: yes.
Comment: This variant is considered likely benign or benign based on one or more of the following criteria: it is a conservative change, it occurs at a poorly conserved position in the protein, it is predicted to be benign by multiple in silico algorithms, and/or has population frequency not consistent with disease.